The following is an entry in ClinVar:

ClinVar aggregate classification (germline): Uncertain significance (1 of 4 stars; one submission).

Conditions:
Baller-Gerold syndrome (BGS). Also called: CRANIOSYNOSTOSIS WITH RADIAL DEFECTS. Identifiers: Orphanet 1225, MedGen C0265308, MONDO:0009039, OMIM 218600.

Allele frequency attached by ClinVar (database versions not stated): gnomAD exomes below 0.00001; TOPMed 0.00001.
gnomAD v4.1: 1 of 1,505,740 alleles (0.000066%); highest among the groups gnomAD compares: East Asian, 0.0026%; no homozygotes.

Submission:

Labcorp Genetics (formerly Invitae), Labcorp
Classification: Uncertain significance for Baller-Gerold syndrome. Last evaluated: 2022-01-13. Review status: criteria provided, single submitter. Criteria: Invitae Variant Classification Sherloc (09022015). Collection method: clinical testing. Allele origin: germline.
Comment: This sequence change replaces leucine, which is neutral and non-polar, with glutamine, which is neutral and polar, at codon 828 of the RECQL4 protein (p.Leu828Gln). The frequency data for this variant in the population databases is considered unreliable, as metrics indicate poor data quality at this position in the gnomAD database. In summary, the available evidence is currently insufficient to determine the role of this variant in disease. Therefore, it has been classified as a Variant of Uncertain Significance. ClinVar contains an entry for this variant (Variation ID: 964673). This variant has not been reported in the literature in individuals affected with RECQL4-related conditions.

NM_004260.4(RECQL4):c.2483T>A (p.Leu828Gln)

Gene: RECQL4 (RecQ like helicase 4; minus strand). Cytogenetic location: 8q24.3.
Variant type: single nucleotide variant.
Coding change: c.2483T>A on transcript NM_004260.4 (MANE Select); coding-DNA position 2483, T replaced by A.
Protein change: p.Leu828Gln; replaces leucine 828 with glutamine.
Molecular consequence: missense variant.
Genome position (GRCh38, 1-based): chr8:144,513,119, A>T on the plus strand (T>A on the coding strand, the complement: RECQL4 is on the minus strand). VCF-style: chr8-144513119-A-T. GRCh37 (hg19) VCF-style: chr8-145738502-A-T.
Other names: short protein forms L828Q.
Identifiers: ClinVar variation 964673 (VCV000964673.7), dbSNP rs891542221, ClinGen allele CA372677532.